The following is an entry in ClinVar:

ClinVar aggregate classification (germline): Uncertain significance (1 of 4 stars; one submission).

Submission:

GeneDx
Classification: Uncertain significance. Last evaluated: 2025-01-28. Review status: criteria provided, single submitter. Criteria: GeneDx Variant Classification Process June 2021. Collection method: clinical testing. Allele origin: germline. Affected: yes.
Comment: Not observed at significant frequency in large population cohorts (gnomAD); In silico analysis supports that this missense variant has a deleterious effect on protein structure/function; Has not been previously published as pathogenic or benign to our knowledge; This variant is associated with the following publications: (PMID: 20300201)

NM_139058.3(ARX):c.1054T>C (p.Tyr352His)

Gene: ARX (aristaless related homeobox; minus strand). Cytogenetic location: Xp21.3.
Variant type: single nucleotide variant.
Coding change: c.1054T>C on transcript NM_139058.3 (MANE Select); coding-DNA position 1054, T replaced by C.
Protein change: p.Tyr352His; replaces tyrosine 352 with histidine.
Molecular consequence: missense variant.
Genome position (GRCh38, 1-based): chrX:25,012,941, A>G on the plus strand (T>C on the coding strand, the complement: ARX is on the minus strand). VCF-style: chrX-25012941-A-G. GRCh37 (hg19) VCF-style: chrX-25031058-A-G.
Other names: short protein forms Y352H.
Identifiers: ClinVar variation 451837 (VCV000451837.3), dbSNP rs1556054866, ClinGen allele CA412611862.